The following is an entry in ClinVar:

ClinVar aggregate classification (germline): Uncertain significance. Review status: criteria provided, multiple submitters, no conflicts (2 of 4 stars). 2 submissions from 2 submitters: Uncertain significance (2). Last evaluated 2025-09-28.

Conditions:
Inborn genetic diseases. Identifiers: MedGen C0950123, MeSH D030342.

gnomAD v4.1: 7 of 1,613,422 alleles (0.00043%); highest among the groups gnomAD compares: Non-Finnish European, 0.00059%; no homozygotes.

Submissions (2):

Ambry Genetics
Classification: Uncertain significance for Inborn genetic diseases. Last evaluated: 2025-09-28. Review status: criteria provided, single submitter. Criteria: Ambry Variant Classification Scheme 2023. Collection method: clinical testing. Allele origin: germline.

CeGaT Center for Human Genetics Tuebingen
Classification: Uncertain significance. Last evaluated: 2025-09-01. Review status: criteria provided, single submitter. Criteria: CeGaT Center For Human Genetics Tuebingen Variant Classification Criteria Version 2. Collection method: clinical testing. Allele origin: germline. Affected: yes. Observed: 2 variant alleles.
Comment: SPTBN1: PM2:Supporting, PP2, PP3

NM_003128.3(SPTBN1):c.450C>G (p.Ile150Met)

Gene: SPTBN1 (spectrin beta, non-erythrocytic 1; plus strand). Cytogenetic location: 2p16.2.
Variant type: single nucleotide variant.
Coding change: c.450C>G on transcript NM_003128.3 (MANE Select); coding-DNA position 450, C replaced by G.
Protein change: p.Ile150Met; replaces isoleucine 150 with methionine.
Molecular consequence: missense variant.
Genome position (GRCh38, 1-based): chr2:54,612,310, C>G. VCF-style: chr2-54612310-C-G. GRCh37 (hg19) VCF-style: chr2-54839447-C-G.
Other names: c.450C>G (NM_003128.2); c.411C>G, p.Ile137Met (NM_178313.3); short protein forms I137M, I150M.
Identifiers: ClinVar variation 4085229 (VCV004085229.8).